The following is an entry in ClinVar:

NM_003227.4(TFR2):c.2254C>T (p.Arg752Cys)

Gene: TFR2 (transferrin receptor 2; minus strand). Cytogenetic location: 7q22.1.
Variant type: single nucleotide variant.
Coding change: c.2254C>T on transcript NM_003227.4 (MANE Select); coding-DNA position 2254, C replaced by T.
Protein change: p.Arg752Cys; replaces arginine 752 with cysteine.
Molecular consequence: missense variant.
Genome position (GRCh38, 1-based): chr7:100,621,009, G>A on the plus strand (C>T on the coding strand, the complement: TFR2 is on the minus strand). VCF-style: chr7-100621009-G-A. GRCh37 (hg19) VCF-style: chr7-100218632-G-A.
Other names: c.1741C>T, p.Arg581Cys (NM_001206855.3); short protein forms R581C, R752C.
Identifiers: ClinVar variation 1413137 (VCV001413137.5), dbSNP rs1028494790, ClinGen allele CA163273345.

ClinVar aggregate classification (germline): Uncertain significance (1 of 4 stars; one submission).

Conditions:
Hereditary hemochromatosis (HFE). Identifiers: MedGen C0392514, MONDO:0006507. Disease mechanism: loss of function.

Allele frequency attached by ClinVar (database versions not stated): gnomAD 0.00001; gnomAD exomes 0.00001; TOPMed 0.00001.
gnomAD v4.1: 8 of 1,602,852 alleles (0.0005%); highest among the groups gnomAD compares: African/African-American, 0.0013%; no homozygotes.

Submission:

Labcorp Genetics (formerly Invitae), Labcorp
Classification: Uncertain significance for Hereditary hemochromatosis. Last evaluated: 2021-09-17. Review status: criteria provided, single submitter. Criteria: Invitae Variant Classification Sherloc (09022015). Collection method: clinical testing. Allele origin: germline.
Comment: This sequence change replaces arginine with cysteine at codon 752 of the TFR2 protein (p.Arg752Cys). The arginine residue is highly conserved and there is a large physicochemical difference between arginine and cysteine. This variant is not present in population databases (ExAC no frequency). This variant has not been reported in the literature in individuals with TFR2-related conditions. Algorithms developed to predict the effect of missense changes on protein structure and function (SIFT, PolyPhen-2, Align-GVGD) all suggest that this variant is likely to be disruptive, but these predictions have not been confirmed by published functional studies and their clinical significance is uncertain. In summary, the available evidence is currently insufficient to determine the role of this variant in disease. Therefore, it has been classified as a Variant of Uncertain Significance.